The following is an entry in ClinVar:

ClinVar aggregate classification (germline): Likely pathogenic (1 of 4 stars; one submission).

Conditions:
Hereditary cancer-predisposing syndrome. Also called: Neoplastic Syndromes, Hereditary; Tumor predisposition; Hereditary neoplastic syndrome; Hereditary Cancer Syndrome. Identifiers: Orphanet 140162, MedGen C0027672, MeSH D009386, MONDO:0015356.

Submission:

Ambry Genetics
Classification: Likely pathogenic for Hereditary cancer-predisposing syndrome. Last evaluated: 2018-11-09. Review status: criteria provided, single submitter. Criteria: Ambry Variant Classification Scheme 2023. Collection method: clinical testing. Allele origin: germline.
Comment: The c.363G>T variant (also known as p.K121N), located in coding exon 3 of the TSC1 gene, results from a G to T substitution at nucleotide position 363. The amino acid change results in lysine to asparagine at codon 121, an amino acid with similar properties. However, this change occurs in the last base pair of coding exon 3, which makes it likely to have some effect on normal mRNA splicing. This nucleotide position is highly conserved in available vertebrate species. Using the BDGP and ESEfinder splice site prediction tools, this alteration is predicted to weaken the efficiency of the native splice donor site; however, direct evidence is unavailable. Based on the majority of available evidence to date, this variant is likely to be pathogenic

NM_000368.5(TSC1):c.363G>T (p.Lys121Asn)

Gene: TSC1 (TSC complex subunit 1; minus strand). Cytogenetic location: 9q34.13.
Variant type: single nucleotide variant.
Coding change: c.363G>T on transcript NM_000368.5 (MANE Select); coding-DNA position 363, G replaced by T.
Protein change: p.Lys121Asn; replaces lysine 121 with asparagine.
Molecular consequence: missense variant. On other transcripts: 5 prime UTR variant (18), non-coding transcript variant (5), intron variant (5).
Genome position (GRCh38, 1-based): chr9:132,925,587, C>A on the plus strand (G>T on the coding strand, the complement: TSC1 is on the minus strand). VCF-style: chr9-132925587-C-A. GRCh37 (hg19) VCF-style: chr9-135800974-C-A.
Other names: c.363G>T, p.Lys121Asn (NM_001162426.2, NM_001406592.1, NM_001406593.1 and 16 more transcripts); c.-1G>T (NM_001362177.2, NM_001406617.1, NM_001406618.1 and 5 more transcripts); c.-93G>T (NM_001406614.1, NM_001406616.1, NM_001406624.1); c.-126G>T (NM_001406615.1, NM_001406623.1); c.-515G>T (NM_001406626.1, NM_001406627.1, NM_001406628.1); c.-657G>T (NM_001406629.1); c.-731G>T (NM_001406630.1); c.210+1614G>T (NM_001406613.1, NM_001406612.1, NM_001406610.1 and 2 more transcripts); short protein forms K121N.
Identifiers: ClinVar variation 824020 (VCV000824020.4), dbSNP rs118203370, ClinGen allele CA375374285.